The following is an entry in ClinVar:

NM_012452.3(TNFRSF13B):c.638C>T (p.Ala213Val)

Gene: TNFRSF13B (TNF receptor superfamily member 13B; minus strand). Cytogenetic location: 17p11.2.
Variant type: single nucleotide variant.
Coding change: c.638C>T on transcript NM_012452.3 (MANE Select); coding-DNA position 638, C replaced by T.
Protein change: p.Ala213Val; replaces alanine 213 with valine.
Molecular consequence: missense variant.
Genome position (GRCh38, 1-based): chr17:16,939,791, G>A on the plus strand (C>T on the coding strand, the complement: TNFRSF13B is on the minus strand). VCF-style: chr17-16939791-G-A. GRCh37 (hg19) VCF-style: chr17-16843105-G-A.
Other names: short protein forms A213V.
Identifiers: ClinVar variation 661816 (VCV000661816.5), dbSNP rs763164041, ClinGen allele CA8413896.

ClinVar aggregate classification (germline): Uncertain significance (1 of 4 stars; one submission).

Conditions:
Immunodeficiency, common variable, 2 (CVID2). Also called: ANTIBODY DEFICIENCY DUE TO TACI DEFECT; HYPOGAMMAGLOBULINEMIA DUE TO TACI DEFICIENCY. Identifiers: Orphanet 1572, MedGen C3150354, MONDO:0009413, OMIM 240500.

Allele frequency attached by ClinVar (database versions not stated): ExAC 0.00001; gnomAD 0.00001; TOPMed 0.00002; gnomAD exomes 0.00003.
gnomAD v4.1: 17 of 1,611,266 alleles (0.0011%); highest among the groups gnomAD compares: South Asian, 0.0044%; no homozygotes.

Submission:

Labcorp Genetics (formerly Invitae), Labcorp
Classification: Uncertain significance for Immunodeficiency, common variable, 2. Last evaluated: 2018-07-05. Review status: criteria provided, single submitter. Criteria: Invitae Variant Classification Sherloc (09022015). Collection method: clinical testing. Allele origin: germline.
Comment: This sequence change replaces alanine with valine at codon 213 of the TNFRSF13B protein (p.Ala213Val). The alanine residue is weakly conserved and there is a small physicochemical difference between alanine and valine. This variant is present in population databases (rs763164041, ExAC 0.007%). This variant has not been reported in the literature in individuals with TNFRSF13B-related disease. Algorithms developed to predict the effect of missense changes on protein structure and function output the following: SIFT: "Tolerated"; PolyPhen-2: "Benign"; Align-GVGD: "Class C0". The valine amino acid residue is found in multiple mammalian species, suggesting that this missense change does not adversely affect protein function. These predictions have not been confirmed by published functional studies and their clinical significance is uncertain. In summary, the available evidence is currently insufficient to determine the role of this variant in disease. Therefore, it has been classified as a Variant of Uncertain Significance.